The following is an entry in ClinVar:

NM_033118.4(MYLK2):c.511G>A (p.Ala171Thr)

Gene: MYLK2 (myosin light chain kinase 2; plus strand). Cytogenetic location: 20q11.21.
Variant type: single nucleotide variant.
Coding change: c.511G>A on transcript NM_033118.4 (MANE Select); coding-DNA position 511, G replaced by A.
Protein change: p.Ala171Thr; replaces alanine 171 with threonine.
Molecular consequence: missense variant.
Genome position (GRCh38, 1-based): chr20:31,821,476, G>A. VCF-style: chr20-31821476-G-A. GRCh37 (hg19) VCF-style: chr20-30409279-G-A.
Other names: short protein forms A171T.
Identifiers: ClinVar variation 1318610 (VCV001318610.2), dbSNP rs765400667, ClinGen allele CA9802950.

ClinVar aggregate classification (germline): Uncertain significance (1 of 4 stars; one submission).

Allele frequency attached by ClinVar (database versions not stated): ExAC 0.00002; gnomAD exomes 0.00002.

Submission:

GeneDx
Classification: Uncertain significance. Last evaluated: 2019-03-27. Review status: criteria provided, single submitter. Criteria: GeneDx Variant Classification Process June 2021. Collection method: clinical testing. Allele origin: germline. Affected: yes.
Comment: Not observed at a significant frequency in large population cohorts (Lek et al., 2016); In silico analysis, which includes protein predictors and evolutionary conservation, supports that this variant does not alter protein structure/function; Has not been previously published as pathogenic or benign to our knowledge